The following is an entry in ClinVar:

ClinVar aggregate classification (germline): Uncertain significance. Review status: criteria provided, multiple submitters, no conflicts (2 of 4 stars). 10 submissions from 10 submitters: Uncertain significance (9). 1 of the submissions does not count toward it. Last evaluated 2025-11-28.

Conditions:
Inborn genetic diseases. Identifiers: MedGen C0950123, MeSH D030342.
Autosomal recessive limb-girdle muscular dystrophy type 2A (LGMDR1). Also called: Muscular dystrophy, limb-girdle, type 2A, Amish; Limb-girdle muscular dystrophy, type 2A; Calpainopathy; LEYDEN-MOEBIUS MUSCULAR DYSTROPHY; MUSCULAR DYSTROPHY, PELVOFEMORAL. Identifiers: Orphanet 267, MedGen C1869123, MONDO:0009675, OMIM 253600. Disease mechanism: loss of function.

Allele frequency attached by ClinVar (database versions not stated): ExAC 0.00002; TOPMed 0.00002; gnomAD 0.00003; gnomAD exomes 0.00003.
gnomAD v4.1: 73 of 1,614,014 alleles (0.0045%); highest among the groups gnomAD compares: Non-Finnish European, 0.0057%; no homozygotes.

Submissions (10):

Women's Health and Genetics/Laboratory Corporation of America, LabCorp
Classification: Uncertain significance. Last evaluated: 2025-11-28. Review status: criteria provided, single submitter. Criteria: LabCorp Variant Classification Summary - May 2015. Collection method: clinical testing. Allele origin: germline.
Comment: Variant summary: CAPN3 c.938C>T (p.Pro313Leu) results in a non-conservative amino acid change located in the calpain catalytic domain (IPR001300) of the encoded protein sequence. Algorithms developed to predict the effect of missense changes on protein structure and function are either unavailable or do not agree on the potential impact of this missense change. The variant allele was found at a frequency of 3.2e-05 in 251450 control chromosomes. The available data on variant occurrences in the general population are insufficient to allow any conclusion about variant significance. To our knowledge, no occurrence of c.938C>T in individuals affected with CAPN3-related conditions and no experimental evidence demonstrating its impact on protein function have been reported. ClinVar contains an entry for this variant (Variation ID: 282867). Based on the evidence outlined above, the variant was classified as uncertain significance.

Blueprint Genetics
Classification: Uncertain significance. Last evaluated: 2024-10-23. Review status: criteria provided, single submitter. Criteria: ACMG Guidelines, 2015. Collection method: clinical testing. Allele origin: germline.

Revvity Omics, Revvity
Classification: Uncertain significance. Last evaluated: 2024-02-28. Review status: criteria provided, single submitter. Criteria: ACMG Guidelines, 2015. Collection method: clinical testing. Allele origin: germline.

Ambry Genetics
Classification: Uncertain significance for Inborn genetic diseases. Last evaluated: 2023-11-13. Review status: criteria provided, single submitter. Criteria: Ambry Variant Classification Scheme 2023. Collection method: clinical testing. Allele origin: germline.

Labcorp Genetics (formerly Invitae), Labcorp
Classification: Uncertain significance for Autosomal recessive limb-girdle muscular dystrophy type 2A. Last evaluated: 2022-10-07. Review status: criteria provided, single submitter. Criteria: Invitae Variant Classification Sherloc (09022015). Collection method: clinical testing. Allele origin: germline.
Comment: This sequence change replaces proline, which is neutral and non-polar, with leucine, which is neutral and non-polar, at codon 313 of the CAPN3 protein (p.Pro313Leu). This variant is present in population databases (rs752483058, gnomAD 0.006%). This variant has not been reported in the literature in individuals affected with CAPN3-related conditions. ClinVar contains an entry for this variant (Variation ID: 282867). Advanced modeling of protein sequence and biophysical properties (such as structural, functional, and spatial information, amino acid conservation, physicochemical variation, residue mobility, and thermodynamic stability) has been performed at Invitae for this missense variant, however the output from this modeling did not meet the statistical confidence thresholds required to predict the impact of this variant on CAPN3 protein function. In summary, the available evidence is currently insufficient to determine the role of this variant in disease. Therefore, it has been classified as a Variant of Uncertain Significance.

Illumina Laboratory Services, Illumina
Classification: Uncertain significance for Limb-girdle muscular dystrophy, type 2A. Last evaluated: 2018-01-12. Review status: criteria provided, single submitter. Criteria: ICSL Variant Classification Criteria 13 December 2019. Collection method: clinical testing. Allele origin: germline.

Athena Diagnostics
Classification: Uncertain significance. Last evaluated: 2017-04-12. Review status: criteria provided, single submitter. Criteria: Athena Diagnostics Criteria. Collection method: clinical testing. Allele origin: germline.

GeneDx
Classification: Uncertain significance. Last evaluated: 2017-03-06. Review status: criteria provided, single submitter. Criteria: GeneDx Variant Classification (06012015). Collection method: clinical testing. Allele origin: germline. Affected: yes.
Comment: The P313L variant has not been published as a pathogenic variant, nor has it been reported as a benign variant to our knowledge. The P313L variant is not observed at a significant frequency in large population cohorts (Lek et al., 2016; 1000 Genomes Consortium et al., 2015; Exome Variant Server). This variant is a semi-conservative amino acid substitution, which may impact secondary protein structure as these residues differ in some properties. This substitution occurs at a position that is conserved across species; however, missense variants in nearby residues have not been reported in the Human Gene Mutation Database in association with CAPN3-related disorders (Stenson et al., 2014). In silico analysis is inconsistent in its predictions as to whether or not the variant is damaging to the protein structure/function.

Eurofins Ntd Llc (ga)
Classification: Uncertain significance. Last evaluated: 2015-08-25. Review status: criteria provided, single submitter. Criteria: EGL Classification Definitions 2015. Collection method: clinical testing. Allele origin: germline. Observed: 1 variant allele, 1 heterozygote.

Natera, Inc.
Classification: Uncertain significance for Limb-girdle muscular dystrophy type 2A. Last evaluated: 2020-09-16. Review status: no assertion criteria provided. Collection method: clinical testing. Allele origin: germline. Not counted in ClinVar's aggregate classification.

NM_000070.3(CAPN3):c.938C>T (p.Pro313Leu)

Gene: CAPN3 (calpain 3; plus strand). Cytogenetic location: 15q15.1.
Variant type: single nucleotide variant.
Coding change: c.938C>T on transcript NM_000070.3 (MANE Select); coding-DNA position 938, C replaced by T.
Protein change: p.Pro313Leu; replaces proline 313 with leucine.
Molecular consequence: missense variant. On other transcripts: intron variant (1).
Genome position (GRCh38, 1-based): chr15:42,390,089, C>T. VCF-style: chr15-42390089-C-T. GRCh37 (hg19) VCF-style: chr15-42682287-C-T.
Other names: c.938C>T, p.Pro313Leu (NM_024344.2); c.801+993C>T (NM_173087.2); short protein forms P313L.
Identifiers: ClinVar variation 282867 (VCV000282867.20), dbSNP rs752483058, ClinGen allele CA7511170.
Genomic context (GRCh38, chr15:42,390,089, plus strand): 5'-ATATGGATAACTCACTGCTCCAGGACTCAGACCTCGACCCCAGAGGCTCAGATGAAAGAC[C>T]GACCCGGGTGTGTACACCTCCGATTATCAGAACTGACCATCCCTCCAACCCACATGACCC-3'
Protein context (NP_000061.1, residues 303-323): DLDPRGSDER[Pro313Leu]TRTIIPVQYE